The following is an entry in ClinVar:

ClinVar aggregate classification (germline): Uncertain significance (1 of 4 stars; one submission).

Conditions:
DICER1-related tumor predisposition. Also called: DICER1-related pleuropulmonary blastoma cancer predisposition syndrome; DICER1 syndrome. Identifiers: Orphanet 284343, MedGen C3839822, MONDO:0100216.

Submission:

Labcorp Genetics (formerly Invitae), Labcorp
Classification: Uncertain significance for DICER1-related tumor predisposition. Last evaluated: 2024-02-17. Review status: criteria provided, single submitter. Criteria: Invitae Variant Classification Sherloc (09022015). Collection method: clinical testing. Allele origin: germline.
Comment: This sequence change replaces lysine, which is basic and polar, with arginine, which is basic and polar, at codon 300 of the DICER1 protein (p.Lys300Arg). This variant is not present in population databases (gnomAD no frequency). This variant has not been reported in the literature in individuals affected with DICER1-related conditions. ClinVar contains an entry for this variant (Variation ID: 1420618). Advanced modeling of protein sequence and biophysical properties (such as structural, functional, and spatial information, amino acid conservation, physicochemical variation, residue mobility, and thermodynamic stability) performed at Invitae indicates that this missense variant is not expected to disrupt DICER1 protein function with a negative predictive value of 80%. In summary, the available evidence is currently insufficient to determine the role of this variant in disease. Therefore, it has been classified as a Variant of Uncertain Significance.

NM_177438.3(DICER1):c.899A>G (p.Lys300Arg)

Gene: DICER1 (dicer 1, ribonuclease III; minus strand). Cytogenetic location: 14q32.13.
Variant type: single nucleotide variant.
Coding change: c.899A>G on transcript NM_177438.3 (MANE Select); coding-DNA position 899, A replaced by G.
Protein change: p.Lys300Arg; replaces lysine 300 with arginine.
Molecular consequence: missense variant.
Genome position (GRCh38, 1-based): chr14:95,126,584, T>C on the plus strand (A>G on the coding strand, the complement: DICER1 is on the minus strand). VCF-style: chr14-95126584-T-C. GRCh37 (hg19) VCF-style: chr14-95592921-T-C.
Other names: c.899A>G, p.Lys300Arg (NM_001195573.1, NM_001271282.3, NM_001291628.2 and 1 more transcripts); short protein forms K300R.
Identifiers: ClinVar variation 1420618 (VCV001420618.9), dbSNP rs2140232256, ClinGen allele CA390887425.